The following is an entry in ClinVar:

NM_004859.4(CLTC):c.2562-1G>C

Gene: CLTC (clathrin heavy chain; plus strand). Cytogenetic location: 17q23.1.
Variant type: single nucleotide variant.
Coding change: c.2562-1G>C on transcript NM_004859.4 (MANE Select); the canonical splice acceptor site of the intron before coding-DNA position 2562, G replaced by C.
Molecular consequence: splice acceptor variant.
Genome position (GRCh38, 1-based): chr17:59,676,953, G>C. VCF-style: chr17-59676953-G-C. GRCh37 (hg19) VCF-style: chr17-57754314-G-C.
Other names: c.2574-1G>C (NM_001288653.2).
Identifiers: ClinVar variation 1705596 (VCV001705596.1), dbSNP rs1185165677, ClinGen allele CA400415637.

ClinVar aggregate classification (germline): Likely pathogenic (1 of 4 stars; one submission).

Conditions:
Intellectual developmental disorder, autosomal dominant 56. Also called: Intellectual disability, autosomal dominant 56; MENTAL RETARDATION, AUTOSOMAL DOMINANT 56. Identifiers: MedGen C4693389, MONDO:0030922, OMIM 617854.

Submission:

3billion
Classification: Likely pathogenic for Intellectual developmental disorder, autosomal dominant 56. Last evaluated: 2022-09-01. Review status: criteria provided, single submitter. Criteria: ACMG Guidelines, 2015. Collection method: clinical testing. Allele origin: germline. Affected: yes. Observed: 1 heterozygote.
Comment: The variant is not observed in the gnomAD v2.1.1 dataset. This variant on the canonical splice site is predicted to alter splicing and result in a loss or disruption of normal protein function. Multiple pathogenic loss-of-function variants are reported downstream of the variant. Therefore, this variant is classified as Likely pathogenic according to the recommendation of ACMG/AMP guideline.